The following is an entry in ClinVar:

ClinVar aggregate classification (germline): Conflicting classifications of pathogenicity. Review status: criteria provided, conflicting classifications (1 of 4 stars). 2 submissions from 2 submitters: Uncertain significance (1); Likely benign (1). Last evaluated 2025-09-02.

Conditions:
Inborn genetic diseases. Identifiers: MedGen C0950123, MeSH D030342.
Chondrodysplasia punctata, brachytelephalangic, autosomal. Also called: BRACHYTELEPHALANGIC CHONDRODYSPLASIA PUNCTATA. Identifiers: MedGen C1844853, MONDO:0011238, OMIM 602497.

Allele frequency attached by ClinVar (database versions not stated): gnomAD 0.00004 and 0.00005; TOPMed 0.00005; ExAC 0.00008; gnomAD exomes 0.00008; ESP Exome Variant Server 0.00019.
gnomAD v4.1: 175 of 1,209,063 alleles (0.014%); highest among the groups gnomAD compares: Non-Finnish European, 0.018%; no homozygotes.

Submissions (2):

Labcorp Genetics (formerly Invitae), Labcorp
Classification: Uncertain significance for Chondrodysplasia punctata, brachytelephalangic, autosomal. Last evaluated: 2025-09-02. Review status: criteria provided, single submitter. Criteria: Invitae Variant Classification Sherloc (09022015). Collection method: clinical testing. Allele origin: germline.
Comment: This sequence change replaces valine, which is neutral and non-polar, with methionine, which is neutral and non-polar, at codon 533 of the ARSE protein (p.Val533Met). This variant is present in population databases (rs376111412, gnomAD 0.01%). This variant has not been reported in the literature in individuals affected with ARSE-related conditions. ClinVar contains an entry for this variant (Variation ID: 1683178). Invitae Evidence Modeling of protein sequence and biophysical properties (such as structural, functional, and spatial information, amino acid conservation, physicochemical variation, residue mobility, and thermodynamic stability) indicates that this missense variant is not expected to disrupt ARSE protein function with a negative predictive value of 80%. In summary, the available evidence is currently insufficient to determine the role of this variant in disease. Therefore, it has been classified as a Variant of Uncertain Significance.

Ambry Genetics
Classification: Likely benign for Inborn genetic diseases. Last evaluated: 2024-01-24. Review status: criteria provided, single submitter. Criteria: Ambry Variant Classification Scheme 2023. Collection method: clinical testing. Allele origin: germline.

NM_000047.3(ARSL):c.1597G>A (p.Val533Met)

Gene: ARSL (arylsulfatase L; minus strand). Cytogenetic location: Xp22.33.
Variant type: single nucleotide variant.
Coding change: c.1597G>A on transcript NM_000047.3 (MANE Select); coding-DNA position 1597, G replaced by A.
Protein change: p.Val533Met; replaces valine 533 with methionine.
Molecular consequence: missense variant.
Genome position (GRCh38, 1-based): chrX:2,935,005, C>T on the plus strand (G>A on the coding strand, the complement: ARSL is on the minus strand). VCF-style: chrX-2935005-C-T. GRCh37 (hg19) VCF-style: chrX-2853046-C-T.
Other names: c.1672G>A, p.Val558Met (NM_001282628.2, NM_001369080.1); c.1435G>A, p.Val479Met (NM_001282631.2); c.1624G>A, p.Val542Met (NM_001369079.1); c.1597G>A (NM_000047.2); short protein forms V479M, V533M, V542M, V558M.
Identifiers: ClinVar variation 1683178 (VCV001683178.5), dbSNP rs376111412, ClinGen allele CA10337984.